The following is an entry in ClinVar:

NM_000236.3(LIPC):c.686G>T (p.Gly229Val)

Gene: LIPC (lipase C, hepatic type; plus strand). Cytogenetic location: 15q21.3.
Variant type: single nucleotide variant.
Coding change: c.686G>T on transcript NM_000236.3 (MANE Select); coding-DNA position 686, G replaced by T.
Protein change: p.Gly229Val; replaces glycine 229 with valine.
Molecular consequence: missense variant.
Genome position (GRCh38, 1-based): chr15:58,545,853, G>T. VCF-style: chr15-58545853-G-T. GRCh37 (hg19) VCF-style: chr15-58838052-G-T.
Other names: p.Gly229Val; short protein forms G229V.
Identifiers: ClinVar variation 1341574 (VCV001341574.2), dbSNP rs2140922013, ClinGen allele CA392612538.

ClinVar aggregate classification (germline): Uncertain significance (1 of 4 stars; one submission).

Conditions:
HIGH DENSITY LIPOPROTEIN CHOLESTEROL LEVEL QUANTITATIVE TRAIT LOCUS 6 (HDLCQ6). Identifiers: MedGen C1853096, OMIM 610762.

Submission:

Laboratory of Inherited Metabolic Diseases, Research centre for medical genetics
Classification: Uncertain significance for HIGH DENSITY LIPOPROTEIN CHOLESTEROL LEVEL QUANTITATIVE TRAIT LOCUS 6. Last evaluated: 2022-01-14. Review status: criteria provided, single submitter. Criteria: ACMG Guidelines, 2015. Collection method: clinical testing. Allele origin: unknown. Inheritance: Autosomal recessive inheritance. Affected: yes.
Comment: Found in heterozygous state.